The following is an entry in ClinVar:

NM_205850.3(SLC24A5):c.1160G>C (p.Ser387Thr)

Genes: MYEF2 (myelin expression factor 2; minus strand), SLC24A5 (solute carrier family 24 member 5; plus strand). Cytogenetic location: 15q21.1.
Variant type: single nucleotide variant.
Coding change: c.1160G>C on transcript NM_205850.3 (MANE Select); coding-DNA position 1160, G replaced by C.
Protein change: p.Ser387Thr; replaces serine 387 with threonine.
Molecular consequence: missense variant. On other transcripts: 3 prime UTR variant (2).
Genome position (GRCh38, 1-based): chr15:48,141,194, G>C. VCF-style: chr15-48141194-G-C. GRCh37 (hg19) VCF-style: chr15-48433391-G-C.
Other names: c.*1714C>G (NM_001301210.2, NM_016132.5); short protein forms S387T.
Identifiers: ClinVar variation 1933798 (VCV001933798.5), dbSNP rs376006338, ClinGen allele CA7546062.

ClinVar aggregate classification (germline): Uncertain significance (1 of 4 stars; one submission).

Allele frequency attached by ClinVar (database versions not stated): ESP Exome Variant Server 0.00015.

Submission:

Labcorp Genetics (formerly Invitae), Labcorp
Classification: Uncertain significance. Last evaluated: 2022-08-07. Review status: criteria provided, single submitter. Criteria: Invitae Variant Classification Sherloc (09022015). Collection method: clinical testing. Allele origin: germline.
Comment: This variant has not been reported in the literature in individuals affected with SLC24A5-related conditions. In summary, the available evidence is currently insufficient to determine the role of this variant in disease. Therefore, it has been classified as a Variant of Uncertain Significance. Algorithms developed to predict the effect of missense changes on protein structure and function are either unavailable or do not agree on the potential impact of this missense change (SIFT: "Deleterious"; PolyPhen-2: "Possibly Damaging"; Align-GVGD: "Class C0"). This variant is present in population databases (rs376006338, gnomAD 0.002%). This sequence change replaces serine, which is neutral and polar, with threonine, which is neutral and polar, at codon 387 of the SLC24A5 protein (p.Ser387Thr).